The following is an entry in ClinVar:

NM_001365951.3(KIF1B):c.4483G>C (p.Glu1495Gln)

Gene: KIF1B (kinesin family member 1B; plus strand). Cytogenetic location: 1p36.22.
Variant type: single nucleotide variant.
Coding change: c.4483G>C on transcript NM_001365951.3 (MANE Select); coding-DNA position 4483, G replaced by C.
Protein change: p.Glu1495Gln; replaces glutamic acid 1495 with glutamine.
Molecular consequence: missense variant.
Genome position (GRCh38, 1-based): chr1:10,365,216, G>C. VCF-style: chr1-10365216-G-C. GRCh37 (hg19) VCF-style: chr1-10425274-G-C.
Other names: c.4483G>C, p.Glu1495Gln (NM_001365952.1); c.4345G>C, p.Glu1449Gln (NM_015074.3); short protein forms E1495Q, E1449Q.
Identifiers: ClinVar variation 1739883 (VCV001739883.3), dbSNP rs2521911952, ClinGen allele CA338321043.
Genomic context (GRCh38, chr1:10,365,216, plus strand): 5'-GAAGAGAACTTAGCAGGCTGGCGGCCCCGTGGAGACAGCCTCATCCTTGAGCACCAGTGG[G>C]AGCTGGAGAAGCTGGAGCTCCTACATGAGGTATCCAGGGGCAGGGTTGTTCAGATGCAAG-3'
Protein context (NP_001352880.1, residues 1485-1505): GDSLILEHQW[Glu1495Gln]LEKLELLHEV

ClinVar aggregate classification (germline): Uncertain significance (1 of 4 stars; one submission).

gnomAD v4.1: 2 of 1,614,082 alleles (0.00012%); highest among the groups gnomAD compares: Non-Finnish European, 0.00017%; no homozygotes.

Submission:

Ambry Genetics
Classification: Uncertain significance. Last evaluated: 2024-08-25. Review status: criteria provided, single submitter. Criteria: Ambry Variant Classification Scheme 2023. Collection method: clinical testing. Allele origin: germline.
Comment: The p.E1449Q variant (also known as c.4345G>C), located in coding exon 39 of the KIF1B gene, results from a G to C substitution at nucleotide position 4345. The glutamic acid at codon 1449 is replaced by glutamine, an amino acid with highly similar properties. This amino acid position is conserved. In addition, the in silico prediction for this alteration is inconclusive. Since supporting evidence is limited at this time, the clinical significance of this alteration remains unclear.